The following is an entry in ClinVar:

NM_144687.4(NLRP12):c.2837T>G (p.Leu946Arg)

Gene: NLRP12 (NLR family pyrin domain containing 12; minus strand). Cytogenetic location: 19q13.42.
Variant type: single nucleotide variant.
Coding change: c.2837T>G on transcript NM_144687.4 (MANE Select); coding-DNA position 2837, T replaced by G.
Protein change: p.Leu946Arg; replaces leucine 946 with arginine.
Molecular consequence: missense variant. On other transcripts: intron variant (1).
Genome position (GRCh38, 1-based): chr19:53,798,333, A>C on the plus strand (T>G on the coding strand, the complement: NLRP12 is on the minus strand). VCF-style: chr19-53798333-A-C. GRCh37 (hg19) VCF-style: chr19-54301587-A-C.
Other names: c.2840T>G, p.Leu947Arg (NM_001277126.2); c.2757-2304T>G (NM_001277129.1); short protein forms L946R, L947R.
Identifiers: ClinVar variation 4761871 (VCV004761871.1).
Genomic context (GRCh38, chr19:53,798,333, plus strand): 5'-TGCAGCCCCTCAGCCAGCAACCACAGGCCCCAGTCTCCCAGGTCGTTGAAACTCAAGTCC[A>C]GCTCCCGGAGGTTGTGGTTGGCCTGGAGCACCACAGAAAGACCCTCACAGGCGGCAGAGC-3'
Protein context (NP_653288.1, residues 936-956): VLQANHNLRE[Leu946Arg]DLSFNDLGDW

ClinVar aggregate classification (germline): Uncertain significance (1 of 4 stars; one submission).

Conditions:
Familial cold autoinflammatory syndrome 2 (FCAS2). Identifiers: Orphanet 247868, MedGen C2673198, MONDO:0012724, OMIM 611762.

Submission:

Labcorp Genetics (formerly Invitae), Labcorp
Classification: Uncertain significance for Familial cold autoinflammatory syndrome 2. Last evaluated: 2026-01-13. Review status: criteria provided, single submitter. Criteria: Invitae Variant Classification Sherloc (09022015). Collection method: clinical testing. Allele origin: germline.
Comment: This sequence change replaces leucine, which is neutral and non-polar, with arginine, which is basic and polar, at codon 946 of the NLRP12 protein (p.Leu946Arg). This variant is present in population databases (no rsID available, gnomAD 0.0009%). This variant has not been reported in the literature in individuals affected with NLRP12-related conditions. An algorithm developed to predict the effect of missense changes on protein structure and function (PolyPhen-2) suggests that this variant is likely to be disruptive. In summary, the available evidence is currently insufficient to determine the role of this variant in disease. Therefore, it has been classified as a Variant of Uncertain Significance.